The following is an entry in ClinVar:

NM_000153.4(GALC):c.1388T>A (p.Leu463Gln)

Gene: GALC (galactosylceramidase; minus strand). Cytogenetic location: 14q31.3.
Variant type: single nucleotide variant.
Coding change: c.1388T>A on transcript NM_000153.4 (MANE Select); coding-DNA position 1388, T replaced by A.
Protein change: p.Leu463Gln; replaces leucine 463 with glutamine.
Molecular consequence: missense variant. On other transcripts: non-coding transcript variant (1).
Genome position (GRCh38, 1-based): chr14:87,947,829, A>T on the plus strand (T>A on the coding strand, the complement: GALC is on the minus strand). VCF-style: chr14-87947829-A-T. GRCh37 (hg19) VCF-style: chr14-88414173-A-T.
Other names: c.1319T>A, p.Leu440Gln (NM_001201401.2); c.1310T>A, p.Leu437Gln (NM_001201402.2); c.1220T>A, p.Leu407Gln (NM_001424071.1, NM_001424072.1, NM_001424073.1); c.1040T>A, p.Leu347Gln (NM_001424074.1, NM_001424075.1); c.755T>A, p.Leu252Gln (NM_001424076.1, NM_001424077.1); short protein forms L252Q, L347Q, L407Q, L437Q, L440Q, L463Q.
Identifiers: ClinVar variation 4802017 (VCV004802017.1).

ClinVar aggregate classification (germline): Uncertain significance (1 of 4 stars; one submission).

Conditions:
Galactosylceramide beta-galactosidase deficiency. Also called: Leukodystrophy, Globoid Cell; Krabbe Disease; GALACTOCEREBROSIDASE DEFICIENCY; GALC DEFICIENCY; GLOBOID CELL LEUKOENCEPHALOPATHY. Identifiers: Orphanet 487, MedGen C0023521, MONDO:0009499, OMIM 245200.

Submission:

Labcorp Genetics (formerly Invitae), Labcorp
Classification: Uncertain significance for Galactosylceramide beta-galactosidase deficiency. Last evaluated: 2025-12-16. Review status: criteria provided, single submitter. Criteria: Invitae Variant Classification Sherloc (09022015). Collection method: clinical testing. Allele origin: germline.
Comment: This sequence change replaces leucine, which is neutral and non-polar, with glutamine, which is neutral and polar, at codon 463 of the GALC protein (p.Leu463Gln). This variant is not present in population databases (gnomAD no frequency). This variant has not been reported in the literature in individuals affected with GALC-related conditions. Invitae Evidence Modeling of protein sequence and biophysical properties (such as structural, functional, and spatial information, amino acid conservation, physicochemical variation, residue mobility, and thermodynamic stability) indicates that this missense variant is expected to disrupt GALC protein function with a positive predictive value of 95%. In summary, the available evidence is currently insufficient to determine the role of this variant in disease. Therefore, it has been classified as a Variant of Uncertain Significance.